The following is an entry in ClinVar:

NM_018122.5(DARS2):c.1333C>T (p.His445Tyr)

Gene: DARS2 (aspartyl-tRNA synthetase 2, mitochondrial; plus strand). Cytogenetic location: 1q25.1.
Variant type: single nucleotide variant.
Coding change: c.1333C>T on transcript NM_018122.5 (MANE Select); coding-DNA position 1333, C replaced by T.
Protein change: p.His445Tyr; replaces histidine 445 with tyrosine.
Molecular consequence: missense variant. On other transcripts: intron variant (1).
Genome position (GRCh38, 1-based): chr1:173,850,468, C>T. VCF-style: chr1-173850468-C-T. GRCh37 (hg19) VCF-style: chr1-173819606-C-T.
Other names: c.1333C>T, p.His445Tyr (NM_001365213.2); c.1192-2881C>T (NM_001365212.1); c.1333C>T (NM_018122.4); short protein forms H445Y.
Identifiers: ClinVar variation 2981935 (VCV002981935.4), dbSNP rs1044443298, ClinGen allele CA32779625.
Genomic context (GRCh38, chr1:173,850,468, plus strand): 5'-GAATTAATCAGACTAATGGAGACCCAAGAGGAAGATGTGGTCCTACTAACTGCTGGAGAG[C>T]ACAATAAAGCAGTAAGAAAAATTACTTCCAAGCATCAGTGCTGTTGATGCTGAACAATGC-3'
Protein context (NP_060592.2, residues 435-455): EDVVLLTAGE[His445Tyr]NKACSLLGKL

ClinVar aggregate classification (germline): Uncertain significance. Review status: criteria provided, multiple submitters, no conflicts (2 of 4 stars). 2 submissions from 2 submitters: Uncertain significance (2). Last evaluated 2023-09-06.

gnomAD v4.1: 6 of 1,613,668 alleles (0.00037%); highest among the groups gnomAD compares: African/African-American, 0.0013%; no homozygotes.

Submissions (2):

Labcorp Genetics (formerly Invitae), Labcorp
Classification: Uncertain significance. Last evaluated: 2023-09-06. Review status: criteria provided, single submitter. Criteria: Invitae Variant Classification Sherloc (09022015). Collection method: clinical testing. Allele origin: germline.
Comment: This sequence change replaces histidine, which is basic and polar, with tyrosine, which is neutral and polar, at codon 445 of the DARS2 protein (p.His445Tyr). This variant is present in population databases (no rsID available, gnomAD 0.0009%). This variant has not been reported in the literature in individuals affected with DARS2-related conditions. Advanced modeling of protein sequence and biophysical properties (such as structural, functional, and spatial information, amino acid conservation, physicochemical variation, residue mobility, and thermodynamic stability) performed at Invitae indicates that this missense variant is expected to disrupt DARS2 protein function. In summary, the available evidence is currently insufficient to determine the role of this variant in disease. Therefore, it has been classified as a Variant of Uncertain Significance.

GeneDx
Classification: Uncertain significance. Last evaluated: 2023-08-01. Review status: criteria provided, single submitter. Criteria: GeneDx Variant Classification Process June 2021. Collection method: clinical testing. Allele origin: germline. Affected: yes.
Comment: Not observed at significant frequency in large population cohorts (gnomAD); In silico analysis supports that this missense variant does not alter protein structure/function; Has not been previously published as pathogenic or benign to our knowledge